The following is an entry in ClinVar:

NM_000218.3(KCNQ1):c.1514+19522C>T

Genes: KCNQ1 (potassium voltage-gated channel subfamily Q member 1; plus strand), KCNQ1OT1 (KCNQ1 opposite strand/antisense transcript 1; minus strand). Cytogenetic location: 11p15.5.
Variant type: single nucleotide variant.
Coding change: c.1514+19522C>T on transcript NM_000218.3 (MANE Select); 19522 bases into the intron after coding-DNA position 1514, C replaced by T.
Molecular consequence: intron variant. On other transcripts: non-coding transcript variant (1).
Genome position (GRCh38, 1-based): chr11:2,681,603, C>T. VCF-style: chr11-2681603-C-T. GRCh37 (hg19) VCF-style: chr11-2702833-C-T.
Other names: c.1244+19522C>T (NM_001406837.1); c.1418+19522C>T (NM_001406836.1); c.974+19522C>T (NM_001406838.1); c.1133+19522C>T (NM_181798.2).
Identifiers: ClinVar variation 4987758 (VCV004987758.1).
Genomic context (GRCh38, chr11:2,681,603, plus strand): 5'-AACTTACCCTTTTCTAGAGTAACTTCCCTTTTCAGGAAGTTTCTAGCTTGCTTGCTCACT[C>T]GCTCTCCCCACCCCCACCCAACCTCCCCCAACCTATCTCTCCCTCTCTCAGGAGAAGGTG-3'

ClinVar aggregate classification (germline): Likely benign (1 of 4 stars; one submission).

Conditions:
KCNQ1-related disorder. Also called: KCNQ1-related disorders; KCNQ1-related condition. Identifiers: MedGen CN239322.

gnomAD v4.1: 17 of 398,284 alleles (0.0043%); highest among the groups gnomAD compares: African/African-American, 0.025%; no homozygotes.

Submission:

PreventionGenetics, part of Exact Sciences
Classification: Likely benign for KCNQ1-related condition. Last evaluated: 2026-04-10. Review status: criteria provided, single submitter. Criteria: ACMG Guidelines, 2015. Collection method: clinical testing. Allele origin: germline.
Comment: This variant is classified as likely benign based on ACMG/AMP sequence variant interpretation guidelines (Richards et al. 2015 PMID: 25741868, with internal and published modifications).